The following is an entry in ClinVar:

NM_000094.4(COL7A1):c.2607_2608del (p.Leu870fs)

Gene: COL7A1 (collagen type VII alpha 1 chain; minus strand). Cytogenetic location: 3p21.31.
Variant type: Deletion.
Coding change: c.2607_2608del on transcript NM_000094.4 (MANE Select); coding-DNA positions 2607 to 2608, 2 bases deleted (CC; older notation c.2607_2608delCC).
Protein change: p.Leu870fs; shifts the reading frame from leucine 870.
Molecular consequence: frameshift variant.
Genome position (GRCh38, 1-based): chr3:48,588,384-48,588,385, GG deleted on the plus strand (CC on the coding strand, the reverse complement: COL7A1 is on the minus strand); deleting any 2 consecutive bases within chr3:48,588,384-48,588,386 gives the same sequence; the c. name uses the placement nearest the transcript's 3' end. VCF-style (leftmost placement, unchanged base first): chr3-48588383-AGG-A. GRCh37 (hg19) VCF-style: chr3-48625816-AGG-A.
Other names: c.2607_2608delCC (NM_000094.3); short protein forms L870fs.
Identifiers: ClinVar variation 426903 (VCV000426903.6), dbSNP rs1085307849, ClinGen allele CA645294027.

ClinVar aggregate classification (germline): Pathogenic. Review status: criteria provided, multiple submitters, no conflicts (2 of 4 stars). 2 submissions from 2 submitters: Pathogenic (2). Last evaluated 2022-11-29.

Submissions (2):

Labcorp Genetics (formerly Invitae), Labcorp
Classification: Pathogenic. Last evaluated: 2022-11-29. Review status: criteria provided, single submitter. Criteria: Invitae Variant Classification Sherloc (09022015). Collection method: clinical testing. Allele origin: germline.
Comment: This sequence change creates a premature translational stop signal (p.Leu870Glyfs*33) in the COL7A1 gene. It is expected to result in an absent or disrupted protein product. Loss-of-function variants in COL7A1 are known to be pathogenic (PMID: 16971478). This variant is not present in population databases (gnomAD no frequency). This variant has not been reported in the literature in individuals affected with COL7A1-related conditions. ClinVar contains an entry for this variant (Variation ID: 426903). For these reasons, this variant has been classified as Pathogenic.

GeneDx
Classification: Pathogenic. Last evaluated: 2017-03-28. Review status: criteria provided, single submitter. Criteria: GeneDx Variant Classification (06012015). Collection method: clinical testing. Allele origin: germline. Affected: yes.
Comment: The c.2607_2608delCC pathogenic variant in the COL7A1 gene causes a frameshift starting with codon Leucine 870, changes this amino acid to a Glycine residue and creates a premature Stop codon at position 33 of the new reading frame, denoted p.Leu870GlyfsX33. This pathogenic variant is predicted to cause loss of normal protein function either through protein truncation or nonsense-mediated mRNA decay. Additionally, the c.2607_2608delCC variant is not observed in large population cohorts (Lek et al., 2016; 1000 Genomes Consortium et al., 2015; Exome Variant Server). Therefore, we interpret the c.2607_2608delCC variant as pathogenic.

Literature cited by the submitters: PubMed 16971478 (cited by Labcorp Genetics (formerly Invitae), Labcorp).